The following is an entry in ClinVar:

NM_032380.5(GFM2):c.486A>C (p.Ala162=)

Gene: GFM2 (GTP dependent ribosome recycling factor mitochondrial GFM2; minus strand). Cytogenetic location: 5q13.3.
Variant type: single nucleotide variant.
Coding change: c.486A>C on transcript NM_032380.5 (MANE Select); coding-DNA position 486, A replaced by C.
Protein change: p.Ala162=; no amino-acid change (alanine 162 retained).
Molecular consequence: synonymous variant. On other transcripts: non-coding transcript variant (1).
Genome position (GRCh38, 1-based): chr5:74,750,612, T>G on the plus strand (A>C on the coding strand, the complement: GFM2 is on the minus strand). VCF-style: chr5-74750612-T-G. GRCh37 (hg19) VCF-style: chr5-74046437-T-G.
Other names: c.582A>C, p.Ala194= (NM_001281302.2); c.486A>C, p.Ala162= (NM_170681.3, NM_170691.3).
Identifiers: ClinVar variation 1949019 (VCV001949019.7), dbSNP rs750390883, ClinGen allele CA3306787.

ClinVar aggregate classification (germline): Likely benign. Review status: criteria provided, multiple submitters, no conflicts (2 of 4 stars). 3 submissions from 3 submitters: Likely benign (3). Last evaluated 2026-08-01.

Allele frequency attached by ClinVar (database versions not stated): TOPMed 0.00001; gnomAD exomes 0.00007; gnomAD 0.00008; ExAC 0.00015.
gnomAD v4.1: 120 of 1,613,342 alleles (0.0074%); highest among the groups gnomAD compares: Non-Finnish European, 0.0041%; 1 homozygote.

Submissions (3):

CeGaT Center for Human Genetics Tuebingen
Classification: Likely benign. Last evaluated: 2026-08-01. Review status: criteria provided, single submitter. Criteria: CeGaT Center For Human Genetics Tuebingen Variant Classification Criteria Version 2. Collection method: clinical testing. Allele origin: germline. Affected: yes. Observed: 1 variant allele.
Comment: GFM2: BP4, BP7

Labcorp Genetics (formerly Invitae), Labcorp
Classification: Likely benign. Last evaluated: 2024-10-28. Review status: criteria provided, single submitter. Criteria: Invitae Variant Classification Sherloc (09022015). Collection method: clinical testing. Allele origin: germline.

Blueprint Genetics
Classification: Likely benign. Last evaluated: 2022-10-05. Review status: criteria provided, single submitter. Criteria: ACMG Guidelines, 2015. Collection method: clinical testing. Allele origin: germline.